The following is an entry in ClinVar:

NM_001166108.2(PALLD):c.1965-12822_1965-12811del

Gene: PALLD (palladin, cytoskeletal associated protein; plus strand). Cytogenetic location: 4q32.3.
Variant type: Deletion.
Coding change: c.1965-12822_1965-12811del on transcript NM_001166108.2 (MANE Select); 12822 bases into the intron before coding-DNA position 1965 through 12811 bases into the intron before coding-DNA position 1965, 12 bases deleted (CGCAGCCCTTCG).
Molecular consequence: intron variant. On other transcripts: inframe deletion (1).
Genome position (GRCh38, 1-based): chr4:168,878,100-168,878,111, CGCAGCCCTTCG deleted; deleting any 12 consecutive bases within chr4:168,878,092-168,878,111 gives the same sequence; the c. name uses the placement nearest the transcript's 3' end. VCF-style (leftmost placement, unchanged base first): chr4-168878091-CGCCCTTCGCGCA-C. GRCh37 (hg19) VCF-style: chr4-169799242-CGCCCTTCGCGCA-C.
Other names: c.209_220del12 (NM_001166110.1); c.209_220del, p.Ala70_Phe73del (NM_001166110.2); c.1965-12822_1965-12811del (NM_016081.4); c.819-12822_819-12811del (NM_001166109.2); c.-157-12822_-157-12811del (NM_001367570.1, NM_001367568.1, NM_001367567.1 and 1 more transcripts).
Identifiers: ClinVar variation 3016067 (VCV003016067.4), dbSNP rs1560839415, ClinGen allele CA556453458.

ClinVar aggregate classification (germline): Uncertain significance. Review status: criteria provided, multiple submitters, no conflicts (2 of 4 stars). 2 submissions from 2 submitters: Uncertain significance (2). Last evaluated 2025-06-16.

Conditions:
Pancreatic adenocarcinoma. Identifiers: MedGen C0281361, MONDO:0006047, HP:0006725.

Submissions (2):

Labcorp Genetics (formerly Invitae), Labcorp
Classification: Uncertain significance for Pancreatic adenocarcinoma. Last evaluated: 2025-06-16. Review status: criteria provided, single submitter. Criteria: Invitae Variant Classification Sherloc (09022015). Collection method: clinical testing. Allele origin: germline.
Comment: This variant, c.209_220del, results in the deletion of 4 amino acid(s) of the PALLD protein (p.Ala70_Phe73del), but otherwise preserves the integrity of the reading frame. This variant is present in population databases (no rsID available, gnomAD 0.01%). This variant has not been reported in the literature in individuals affected with PALLD-related conditions. ClinVar contains an entry for this variant (Variation ID: 3016067). Experimental studies and prediction algorithms are not available or were not evaluated, and the functional significance of this variant is currently unknown. In summary, the available evidence is currently insufficient to determine the role of this variant in disease. Therefore, it has been classified as a Variant of Uncertain Significance.

Ambry Genetics
Classification: Uncertain significance. Last evaluated: 2025-02-14. Review status: criteria provided, single submitter. Criteria: Ambry Variant Classification Scheme 2023. Collection method: clinical testing. Allele origin: germline.
Comment: The c.209_220del12 variant (also known as p.A70_F73del) is located in coding exon 1 of the PALLD gene. This variant results from an in-frame CGCAGCCCTTCG deletion at nucleotide positions 209 to 220. This results in the in-frame deletion of four amino acids at codons 70 to 73. This amino acid region is not well conserved in available vertebrate species. In addition, the in silico prediction for this alteration is inconclusive (Choi Y et al. PLoS ONE. 2012; 7(10):e46688). The evidence for this gene-disease relationship is limited; therefore, the clinical significance of this alteration is unclear.